The following is an entry in ClinVar:

NC_000001.10:g.(?_55349271)_(55352792_?)dup

Gene: DHCR24 (24-dehydrocholesterol reductase; minus strand). Cytogenetic location: 1p32.3.
Variant type: Duplication.
Identifiers: ClinVar variation 1439714 (VCV001439714.4).

ClinVar aggregate classification (germline): Uncertain significance (1 of 4 stars; one submission).

Submission:

Labcorp Genetics (formerly Invitae), Labcorp
Classification: Uncertain significance. Last evaluated: 2022-08-21. Review status: criteria provided, single submitter. Criteria: Invitae Variant Classification Sherloc (09022015). Collection method: clinical testing. Allele origin: germline.
Comment: This variant results in a copy number gain of the genomic region encompassing exon(s) 1-2 of the DHCR24 gene. This region includes the initiator codon of the gene. This copy number gain extends beyond the assayed region for this gene and therefore may encompass additional genes. As the precise location of this event is unknown, it may be in tandem or it may be located elsewhere in the genome. This variant has not been reported in the literature in individuals affected with DHCR24-related conditions. In summary, the available evidence is currently insufficient to determine the role of this variant in disease. Therefore, it has been classified as a Variant of Uncertain Significance.